The following is an entry in ClinVar:

ClinVar aggregate classification (germline): Conflicting classifications of pathogenicity. Review status: criteria provided, conflicting classifications (1 of 4 stars). 3 submissions from 3 submitters: Uncertain significance (2); Likely benign (1). Last evaluated 2026-01-15.

Allele frequency attached by ClinVar (database versions not stated): TOPMed 0.00002; gnomAD 0.00009; gnomAD exomes 0.00011 and 0.00020; 1000 Genomes Project 30x 0.00016; 1000 Genomes Project 0.00020; ExAC 0.00023.

Submissions (3):

Labcorp Genetics (formerly Invitae), Labcorp
Classification: Uncertain significance. Last evaluated: 2026-01-15. Review status: criteria provided, single submitter. Criteria: Invitae Variant Classification Sherloc (09022015). Collection method: clinical testing. Allele origin: germline.
Comment: This sequence change replaces threonine, which is neutral and polar, with isoleucine, which is neutral and non-polar, at codon 870 of the PLK4 protein (p.Thr870Ile). This variant is present in population databases (rs557954721, gnomAD 0.2%), including at least one homozygous and/or hemizygous individual. This variant has not been reported in the literature in individuals affected with PLK4-related conditions. ClinVar contains an entry for this variant (Variation ID: 1054006). An algorithm developed to predict the effect of missense changes on protein structure and function (PolyPhen-2) suggests that this variant is likely to be tolerated. In summary, the available evidence is currently insufficient to determine the role of this variant in disease. Therefore, it has been classified as a Variant of Uncertain Significance.

Blueprint Genetics
Classification: Likely benign. Last evaluated: 2024-10-24. Review status: criteria provided, single submitter. Criteria: ACMG Guidelines, 2015. Collection method: clinical testing. Allele origin: germline.

Breakthrough Genomics
Classification: Uncertain significance. Review status: criteria provided, single submitter. Criteria: ACMG Guidelines, 2015. Collection method: not provided. Allele origin: germline. Inheritance: Autosomal recessive inheritance. Affected: yes.

NM_014264.5(PLK4):c.2609C>T (p.Thr870Ile)

Gene: PLK4 (polo like kinase 4; plus strand). Cytogenetic location: 4q28.1.
Variant type: single nucleotide variant.
Coding change: c.2609C>T on transcript NM_014264.5 (MANE Select); coding-DNA position 2609, C replaced by T.
Protein change: p.Thr870Ile; replaces threonine 870 with isoleucine.
Molecular consequence: missense variant.
Genome position (GRCh38, 1-based): chr4:127,894,999, C>T. VCF-style: chr4-127894999-C-T. GRCh37 (hg19) VCF-style: chr4-128816154-C-T.
Other names: c.2513C>T, p.Thr838Ile (NM_001190799.2); c.2486C>T, p.Thr829Ile (NM_001190801.2); short protein forms T829I, T838I, T870I.
Identifiers: ClinVar variation 1054006 (VCV001054006.5), dbSNP rs557954721, ClinGen allele CA3077107.
Genomic context (GRCh38, chr4:127,894,999, plus strand): 5'-TTTATTCTTTGTAGATGGTTACAAATGAAGGACTTGGTCTTACAACTACAGCTTCTGGAA[C>T]AGACATCTCTTCTAATAGTCTAAAAGATTGTCTTCCTAAATCAGCACAACTTTTGAAATC-3'
Protein context (NP_055079.3, residues 860-880): GLGLTTTASG[Thr870Ile]DISSNSLKDC